The following is an entry in ClinVar:

ClinVar aggregate classification (germline): Uncertain significance (1 of 4 stars; one submission).

Submission:

GeneDx
Classification: Uncertain significance. Last evaluated: 2023-10-22. Review status: criteria provided, single submitter. Criteria: GeneDx Variant Classification Process June 2021. Collection method: clinical testing. Allele origin: germline. Affected: yes.
Comment: In silico analysis supports that this missense variant has a deleterious effect on protein structure/function; Has not been previously published as pathogenic or benign to our knowledge; Variants in candidate genes are classified as variants of uncertain significance in accordance with ACMG guidelines (Richards et al., 2015)

NM_014520.4(MYBBP1A):c.1052A>G (p.Glu351Gly)

Gene: MYBBP1A (MYB binding protein 1a; minus strand). Cytogenetic location: 17p13.2.
Variant type: single nucleotide variant.
Coding change: c.1052A>G on transcript NM_014520.4 (MANE Select); coding-DNA position 1052, A replaced by G.
Protein change: p.Glu351Gly; replaces glutamic acid 351 with glycine.
Molecular consequence: missense variant.
Genome position (GRCh38, 1-based): chr17:4,550,325, T>C on the plus strand (A>G on the coding strand, the complement: MYBBP1A is on the minus strand). VCF-style: chr17-4550325-T-C. GRCh37 (hg19) VCF-style: chr17-4453620-T-C.
Other names: c.1052A>G, p.Glu351Gly (NM_001105538.2); short protein forms E351G.
Identifiers: ClinVar variation 3365985 (VCV003365985.1).